The following is an entry in ClinVar:

NM_000038.6(APC):c.2992G>A (p.Gly998Ser)

Gene: APC (APC regulator of Wnt signaling pathway; plus strand). Cytogenetic location: 5q22.2.
Variant type: single nucleotide variant.
Coding change: c.2992G>A on transcript NM_000038.6 (MANE Select); coding-DNA position 2992, G replaced by A.
Protein change: p.Gly998Ser; replaces glycine 998 with serine.
Molecular consequence: missense variant. On other transcripts: non-coding transcript variant (2).
Genome position (GRCh38, 1-based): chr5:112,838,586, G>A. VCF-style: chr5-112838586-G-A. GRCh37 (hg19) VCF-style: chr5-112174283-G-A.
Other names: c.3022G>A, p.Gly1008Ser (NM_001354897.2); c.2917G>A, p.Gly973Ser (NM_001354898.2); c.2908G>A, p.Gly970Ser (NM_001354899.2); c.2869G>A, p.Gly957Ser (NM_001354900.2); c.2815G>A, p.Gly939Ser (NM_001354901.2, NM_001407453.1); c.2719G>A, p.Gly907Ser (NM_001354902.2); c.2689G>A, p.Gly897Ser (NM_001354903.2, NM_001407458.1, NM_001407459.1 and 1 more transcripts); c.2614G>A, p.Gly872Ser (NM_001354904.2); and 11 more; short protein forms G715S, G838S, G872S, G980S, G988S, G998S, G1008S, G897S.
Identifiers: ClinVar variation 4827299 (VCV004827299.1).

ClinVar aggregate classification (germline): Uncertain significance (1 of 4 stars; one submission).

Conditions:
Hereditary cancer-predisposing syndrome. Also called: Neoplastic Syndromes, Hereditary; Tumor predisposition; Hereditary Cancer Syndrome; Hereditary neoplastic syndrome. Identifiers: Orphanet 140162, MedGen C0027672, MeSH D009386, MONDO:0015356.

Submission:

Ambry Genetics
Classification: Uncertain significance for Hereditary cancer-predisposing syndrome. Last evaluated: 2026-03-04. Review status: criteria provided, single submitter. Criteria: Ambry Variant Classification Scheme 2023. Collection method: clinical testing. Allele origin: germline.
Comment: The p.G998S variant (also known as c.2992G>A), located in coding exon 15 of the APC gene, results from a G to A substitution at nucleotide position 2992. The glycine at codon 998 is replaced by serine, an amino acid with similar properties. This amino acid position is conserved. In addition, in silico predictors for this gene do not accurately predict pathogenicity. Based on the available evidence, the clinical significance of this variant remains unclear.